The following is an entry in ClinVar:

NM_001142864.4(PIEZO1):c.6905_6906delinsAA (p.Arg2302Gln)

Gene: PIEZO1 (piezo type mechanosensitive ion channel component 1 (Er blood group); minus strand). Cytogenetic location: 16q24.3.
Variant type: Indel.
Coding change: c.6905_6906delinsAA on transcript NM_001142864.4 (MANE Select); coding-DNA positions 6905 to 6906, GC replaced by AA.
Protein change: p.Arg2302Gln; replaces arginine 2302 with glutamine.
Molecular consequence: missense variant.
Genome position (GRCh38, 1-based): chr16:88,716,579-88,716,580, GC replaced by TT on the plus strand (GC replaced by AA on the coding strand, the reverse complement: PIEZO1 is on the minus strand). VCF-style: chr16-88716579-GC-TT. GRCh37 (hg19) VCF-style: chr16-88782987-GC-TT.
Other names: short protein forms R2302Q.
Identifiers: ClinVar variation 4753533 (VCV004753533.1).

ClinVar aggregate classification (germline): Uncertain significance (1 of 4 stars; one submission).

Submission:

Labcorp Genetics (formerly Invitae), Labcorp
Classification: Uncertain significance. Last evaluated: 2025-12-23. Review status: criteria provided, single submitter. Criteria: Invitae Variant Classification Sherloc (09022015). Collection method: clinical testing. Allele origin: germline.
Comment: This sequence change replaces arginine, which is basic and polar, with glutamine, which is neutral and polar, at codon 2302 of the PIEZO1 protein (p.Arg2302Gln). Information on the frequency of this variant in the gnomAD database is not available, as this variant may be reported differently in the database. This variant has not been reported in the literature in individuals affected with PIEZO1-related conditions. An algorithm developed to predict the effect of missense changes on protein structure and function (PolyPhen-2) suggests that this variant is likely to be disruptive. In summary, the available evidence is currently insufficient to determine the role of this variant in disease. Therefore, it has been classified as a Variant of Uncertain Significance.